The following is an entry in ClinVar:

ClinVar aggregate classification (germline): Uncertain significance (1 of 4 stars; one submission).

Conditions:
Hereditary cancer-predisposing syndrome. Also called: Neoplastic Syndromes, Hereditary; Tumor predisposition; Hereditary Cancer Syndrome; Hereditary neoplastic syndrome. Identifiers: Orphanet 140162, MedGen C0027672, MeSH D009386, MONDO:0015356.

gnomAD v4.1: 1 of 1,580,182 alleles (0.000063%); highest among the groups gnomAD compares: Non-Finnish European, 0.000086%; no homozygotes.

Submission:

Ambry Genetics
Classification: Uncertain significance for Hereditary cancer-predisposing syndrome. Last evaluated: 2026-06-08. Review status: criteria provided, single submitter. Criteria: Ambry Variant Classification Scheme 2023. Collection method: clinical testing. Allele origin: germline.
Comment: The p.S705G variant (also known as c.2113A>G), located in coding exon 17 of the BAP1 gene, results from an A to G substitution at nucleotide position 2113. The serine at codon 705 is replaced by glycine, an amino acid with similar properties. This amino acid position is conserved. In addition, this alteration is predicted to be tolerated by in silico analysis. Based on the available evidence, the clinical significance of this variant remains unclear.

NM_004656.4(BAP1):c.2113A>G (p.Ser705Gly)

Gene: BAP1 (BRCA1 associated deubiquitinase 1; minus strand). Cytogenetic location: 3p21.1.
Variant type: single nucleotide variant.
Coding change: c.2113A>G on transcript NM_004656.4 (MANE Select); coding-DNA position 2113, A replaced by G.
Protein change: p.Ser705Gly; replaces serine 705 with glycine.
Molecular consequence: missense variant.
Genome position (GRCh38, 1-based): chr3:52,402,365, T>C on the plus strand (A>G on the coding strand, the complement: BAP1 is on the minus strand). VCF-style: chr3-52402365-T-C. GRCh37 (hg19) VCF-style: chr3-52436381-T-C.
Other names: c.2059A>G, p.Ser687Gly (NM_001410772.1); short protein forms S687G, S705G.
Identifiers: ClinVar variation 4867372 (VCV004867372.1).